The following is an entry in ClinVar:

NM_014516.4(CNOT3):c.1569T>A (p.Asn523Lys)

Gene: CNOT3 (CCR4-NOT transcription complex subunit 3; plus strand). Cytogenetic location: 19q13.42.
Variant type: single nucleotide variant.
Coding change: c.1569T>A on transcript NM_014516.4 (MANE Select); coding-DNA position 1569, T replaced by A.
Protein change: p.Asn523Lys; replaces asparagine 523 with lysine.
Molecular consequence: missense variant.
Genome position (GRCh38, 1-based): chr19:54,149,722, T>A. VCF-style: chr19-54149722-T-A. GRCh37 (hg19) VCF-style: chr19-54653457-T-A.
Other names: short protein forms N523K.
Identifiers: ClinVar variation 3389946 (VCV003389946.14).
Genomic context (GRCh38, chr19:54,149,722, plus strand): 5'-TCCTCCCAGCTCCCCAACGCCCAGCTTCAGTGATGCCAAGGCAGCCGGTGCCCTGCTCAA[T>A]GGGCCTCCACAGTTCAGCACCGCCCCAGAAATCAAGGTGGGCTCCTCGGACATCCCCCGA-3'
Protein context (NP_055331.1, residues 513-533): SDAKAAGALL[Asn523Lys]GPPQFSTAPE

ClinVar aggregate classification (germline): Uncertain significance (1 of 4 stars; one submission).

gnomAD v4.1: 1 of 1,613,740 alleles (0.000062%); highest among the groups gnomAD compares: Non-Finnish European, 0.000085%; no homozygotes.

Submission:

CeGaT Center for Human Genetics Tuebingen
Classification: Uncertain significance. Last evaluated: 2024-10-01. Review status: criteria provided, single submitter. Criteria: CeGaT Center For Human Genetics Tuebingen Variant Classification Criteria Version 2. Collection method: clinical testing. Allele origin: germline. Affected: yes. Observed: 1 variant allele.
Comment: CNOT3: PM2